The following is an entry in ClinVar:

NM_001135649.3(FOXI3):c.636C>G (p.Asp212Glu)

Gene: FOXI3 (forkhead box I3; minus strand). Cytogenetic location: 2p11.2.
Variant type: single nucleotide variant.
Coding change: c.636C>G on transcript NM_001135649.3 (MANE Select); coding-DNA position 636, C replaced by G.
Protein change: p.Asp212Glu; replaces aspartic acid 212 with glutamic acid.
Molecular consequence: missense variant.
Genome position (GRCh38, 1-based): chr2:88,451,900, G>C on the plus strand (C>G on the coding strand, the complement: FOXI3 is on the minus strand). VCF-style: chr2-88451900-G-C. GRCh37 (hg19) VCF-style: chr2-88751419-G-C.
Other names: c.636C>G (NM_001135649.1); short protein forms D212E.
Identifiers: ClinVar variation 2711601 (VCV002711601.4), dbSNP rs1351752819, ClinGen allele CA347765895.
Genomic context (GRCh38, chr2:88,451,900, plus strand): 5'-CCTTGCGACCCGCGTCCGCCCTCCCCGGCTGGGAAGCACCTGCCAGCGGCCCTCACCTGG[G>C]TCGTCCTCGTCGCGGGGCACCTTCTTGAAGCAGTCGTTGAGCGACAGGTTGTGGCGGATG-3'
Protein context (NP_001129121.1, residues 202-222): CFKKVPRDED[Asp212Glu]PGKGNYWTLD

ClinVar aggregate classification (germline): Uncertain significance. Review status: criteria provided, multiple submitters, no conflicts (2 of 4 stars). 2 submissions from 2 submitters: Uncertain significance (2). Last evaluated 2025-06-28.

Allele frequency attached by ClinVar (database versions not stated): TOPMed 0.00001; gnomAD 0.00002.
gnomAD v4.1: 32 of 1,612,926 alleles (0.002%); highest among the groups gnomAD compares: Non-Finnish European, 0.0025%; no homozygotes.

Submissions (2):

GeneDx
Classification: Uncertain significance. Last evaluated: 2025-06-28. Review status: criteria provided, single submitter. Criteria: GeneDx Variant Classification Process June 2021. Collection method: clinical testing. Allele origin: germline. Affected: yes.
Comment: Not observed at significant frequency in large population cohorts (gnomAD); In silico analysis supports that this missense variant has a deleterious effect on protein structure/function; Has not been previously published as pathogenic or benign to our knowledge

Labcorp Genetics (formerly Invitae), Labcorp
Classification: Uncertain significance. Last evaluated: 2023-08-23. Review status: criteria provided, single submitter. Criteria: Invitae Variant Classification Sherloc (09022015). Collection method: clinical testing. Allele origin: germline.
Comment: This sequence change replaces aspartic acid, which is acidic and polar, with glutamic acid, which is acidic and polar, at codon 212 of the FOXI3 protein (p.Asp212Glu). This variant is present in population databases (no rsID available, gnomAD 0.007%). This variant has not been reported in the literature in individuals affected with FOXI3-related conditions. Experimental studies and prediction algorithms are not available or were not evaluated, and the functional significance of this variant is currently unknown. In summary, the available evidence is currently insufficient to determine the role of this variant in disease. Therefore, it has been classified as a Variant of Uncertain Significance.